The following is an entry in ClinVar:

ClinVar aggregate classification (germline): Benign (1 of 4 stars; one submission).

Allele frequency attached by ClinVar (database versions not stated): 1000 Genomes Project 30x 0.49844; 1000 Genomes Project 0.50499; TOPMed 0.56041; gnomAD 0.57154 and 0.57617.
gnomAD v4.1: 87,795 of 152,020 alleles (58%); highest among the groups gnomAD compares: Non-Finnish European, 72%; 28,674 homozygotes.

Submission:

GeneDx
Classification: Benign. Last evaluated: 2018-06-19. Review status: criteria provided, single submitter. Criteria: GeneDx Variant Classification (06012015). Collection method: clinical testing. Allele origin: germline. Affected: yes.
Comment: This variant is considered likely benign or benign based on one or more of the following criteria: it is a conservative change, it occurs at a poorly conserved position in the protein, it is predicted to be benign by multiple in silico algorithms, and/or has population frequency not consistent with disease.

NM_005045.4(RELN):c.7490+286T>G

Gene: RELN (reelin; minus strand). Cytogenetic location: 7q22.1.
Variant type: single nucleotide variant.
Coding change: c.7490+286T>G on transcript NM_005045.4 (MANE Select); 286 bases into the intron after coding-DNA position 7490, T replaced by G.
Molecular consequence: intron variant.
Genome position (GRCh38, 1-based): chr7:103,523,105, A>C on the plus strand (T>G on the coding strand, the complement: RELN is on the minus strand). VCF-style: chr7-103523105-A-C. GRCh37 (hg19) VCF-style: chr7-103163552-A-C.
Other names: c.7490+286T>G (NM_173054.3).
Identifiers: ClinVar variation 684074 (VCV000684074.1), dbSNP rs12536415, ClinGen allele CA12517192.